The following is an entry in ClinVar:

NM_015909.4(NBAS):c.4180-2478T>G

Gene: NBAS (NBAS subunit of NRZ tethering complex; minus strand). Cytogenetic location: 2p24.3.
Variant type: single nucleotide variant.
Coding change: c.4180-2478T>G on transcript NM_015909.4 (MANE Select); 2478 bases into the intron before coding-DNA position 4180, T replaced by G.
Molecular consequence: intron variant.
Genome position (GRCh38, 1-based): chr2:15,333,243, A>C on the plus strand (T>G on the coding strand, the complement: NBAS is on the minus strand). VCF-style: chr2-15333243-A-C. GRCh37 (hg19) VCF-style: chr2-15473367-A-C.
Identifiers: ClinVar variation 5008475 (VCV005008475.1).

ClinVar aggregate classification (germline): Uncertain significance (1 of 4 stars; one submission).

gnomAD v4.1: 411 of 152,280 alleles (0.27%); highest among the groups gnomAD compares: African/African-American, 0.92%; 1 homozygote.

Submission:

GeneDx
Classification: Uncertain significance. Last evaluated: 2026-03-03. Review status: criteria provided, single submitter. Criteria: GeneDx Variant Classification Process June 2021. Collection method: clinical testing. Allele origin: germline.
Comment: In silico analysis suggests this variant may impact gene splicing. In the absence of RNA/functional studies, the actual effect of this sequence change is unknown.; Has not been previously published as pathogenic or benign to our knowledge